The following is an entry in ClinVar:

NM_006767.4(LZTR1):c.2392C>T (p.His798Tyr)

Gene: LZTR1 (leucine zipper like post translational regulator 1; plus strand). Cytogenetic location: 22q11.21.
Variant type: single nucleotide variant.
Coding change: c.2392C>T on transcript NM_006767.4 (MANE Select); coding-DNA position 2392, C replaced by T.
Protein change: p.His798Tyr; replaces histidine 798 with tyrosine.
Molecular consequence: missense variant.
Genome position (GRCh38, 1-based): chr22:20,996,952, C>T. VCF-style: chr22-20996952-C-T. GRCh37 (hg19) VCF-style: chr22-21351241-C-T.
Other names: short protein forms H798Y.
Identifiers: ClinVar variation 1790578 (VCV001790578.5), dbSNP rs2518626143, ClinGen allele CA410781203.
Genomic context (GRCh38, chr22:20,996,952, plus strand): 5'-GAGGCAGCTGACAAAACGCAGGCACTGGACATGAAGCGGCACTGCCTGCACATCATTGTG[C>T]ACCAGTTCACCAAGGTCAGGGCTCTGGCCTCCCCTTCAGGACTCGCTTCCCCTTGGCAGT-3'
Protein context (NP_006758.2, residues 788-808): MKRHCLHIIV[His798Tyr]QFTKVSKLPT

ClinVar aggregate classification (germline): Uncertain significance. Review status: criteria provided, multiple submitters, no conflicts (2 of 4 stars). 2 submissions from 2 submitters: Uncertain significance (2). Last evaluated 2025-03-17.

Conditions:
Hereditary cancer-predisposing syndrome. Also called: Hereditary Cancer Syndrome; Hereditary neoplastic syndrome; Tumor predisposition; Neoplastic Syndromes, Hereditary. Identifiers: Orphanet 140162, MedGen C0027672, MeSH D009386, MONDO:0015356.
Cardiovascular phenotype. Identifiers: MedGen CN230736.

Submissions (2):

Ambry Genetics
Classification: Uncertain significance for Cardiovascular phenotype; Hereditary cancer-predisposing syndrome. Last evaluated: 2025-03-17. Review status: criteria provided, single submitter. Criteria: Ambry Variant Classification Scheme 2023. Collection method: clinical testing. Allele origin: germline.
Comment: The p.H798Y variant (also known as c.2392C>T), located in coding exon 20 of the LZTR1 gene, results from a C to T substitution at nucleotide position 2392. The histidine at codon 798 is replaced by tyrosine, an amino acid with similar properties. This amino acid position is highly conserved in available vertebrate species. In addition, the in silico prediction for this alteration is inconclusive. Based on the available evidence, the clinical significance of this variant remains unclear.

Labcorp Genetics (formerly Invitae), Labcorp
Classification: Uncertain significance. Last evaluated: 2024-04-24. Review status: criteria provided, single submitter. Criteria: Invitae Variant Classification Sherloc (09022015). Collection method: clinical testing. Allele origin: germline.
Comment: This sequence change replaces histidine, which is basic and polar, with tyrosine, which is neutral and polar, at codon 798 of the LZTR1 protein (p.His798Tyr). This variant is not present in population databases (gnomAD no frequency). This variant has not been reported in the literature in individuals affected with LZTR1-related conditions. ClinVar contains an entry for this variant (Variation ID: 1790578). Advanced modeling of protein sequence and biophysical properties (such as structural, functional, and spatial information, amino acid conservation, physicochemical variation, residue mobility, and thermodynamic stability) performed at Invitae indicates that this missense variant is not expected to disrupt LZTR1 protein function with a negative predictive value of 80%. In summary, the available evidence is currently insufficient to determine the role of this variant in disease. Therefore, it has been classified as a Variant of Uncertain Significance.